The following is an entry in ClinVar:

NM_002474.3(MYH11):c.1839G>C (p.Lys613Asn)

Gene: MYH11 (myosin heavy chain 11; minus strand). Cytogenetic location: 16p13.11.
Variant type: single nucleotide variant.
Coding change: c.1839G>C on transcript NM_002474.3 (MANE Select); coding-DNA position 1839, G replaced by C.
Protein change: p.Lys613Asn; replaces lysine 613 with asparagine.
Molecular consequence: missense variant.
Genome position (GRCh38, 1-based): chr16:15,753,419, C>G on the plus strand (G>C on the coding strand, the complement: MYH11 is on the minus strand). VCF-style: chr16-15753419-C-G. GRCh37 (hg19) VCF-style: chr16-15847276-C-G.
Other names: c.1860G>C, p.Lys620Asn (NM_001040113.2, NM_001040114.2); c.1839G>C, p.Lys613Asn (NM_022844.3); short protein forms K613N, K620N.
Identifiers: ClinVar variation 653272 (VCV000653272.13), dbSNP rs754374723, ClinGen allele CA7922501.
Genomic context (GRCh38, chr16:15,753,419, plus strand): 5'-AAGCAGAACATGGACCCGAGCAGAGAAGGCCTTACCGTCCTTCCACAGGTCGGCCACAAA[C>G]TTGTCGGAGGAGGCATTGAGCAGGGAAGTCACGTTGTCATTCAGCGGGTCCATATTCTTG-3'
Protein context (NP_002465.1, residues 603-623): VTSLLNASSD[Lys613Asn]FVADLWKDVD

ClinVar aggregate classification (germline): Uncertain significance. Review status: criteria provided, multiple submitters, no conflicts (2 of 4 stars). 4 submissions from 4 submitters: Uncertain significance (4). Last evaluated 2026-03-31.

Conditions:
Familial thoracic aortic aneurysm and aortic dissection (TAAD). Also called: Thoracic aortic aneurysms and dissections. Identifiers: Orphanet 91387, MedGen C4707243, MONDO:0019625.
Aortic aneurysm, familial thoracic 4 (AAT4). Also called: AORTIC ANEURYSM/AORTIC DISSECTION AND PATENT DUCTUS ARTERIOSUS. Identifiers: MedGen C1851504, MONDO:0007568, OMIM 132900.
Megacystis-microcolon-intestinal hypoperistalsis syndrome 2. Identifiers: MedGen C5543476, MONDO:0025708, OMIM 619351.

Allele frequency attached by ClinVar (database versions not stated): gnomAD exomes 0.00004 and 0.00007; TOPMed 0.00003; ExAC 0.00006.
gnomAD v4.1: 21 of 1,614,158 alleles (0.0013%); highest among the groups gnomAD compares: Admixed American, 0.035%; no homozygotes.

Submissions (4):

GeneDx
Classification: Uncertain significance. Last evaluated: 2026-03-31. Review status: criteria provided, single submitter. Criteria: GeneDx Variant Classification Process June 2021. Collection method: clinical testing. Allele origin: germline.
Comment: In silico analysis suggests that this missense variant does not alter protein structure/function; Has not been previously published as pathogenic or benign to our knowledge

Labcorp Genetics (formerly Invitae), Labcorp
Classification: Uncertain significance for Aortic aneurysm, familial thoracic 4. Last evaluated: 2026-01-02. Review status: criteria provided, single submitter. Criteria: Invitae Variant Classification Sherloc (09022015). Collection method: clinical testing. Allele origin: germline.
Comment: This sequence change replaces lysine, which is basic and polar, with asparagine, which is neutral and polar, at codon 620 of the MYH11 protein (p.Lys620Asn). This variant is present in population databases (rs754374723, gnomAD 0.05%). This variant has not been reported in the literature in individuals affected with MYH11-related conditions. ClinVar contains an entry for this variant (Variation ID: 653272). Invitae Evidence Modeling of protein sequence and biophysical properties (such as structural, functional, and spatial information, amino acid conservation, physicochemical variation, residue mobility, and thermodynamic stability) indicates that this missense variant is not expected to disrupt MYH11 protein function with a negative predictive value of 95%. In summary, the available evidence is currently insufficient to determine the role of this variant in disease. Therefore, it has been classified as a Variant of Uncertain Significance.

Color Diagnostics, LLC DBA Color Health
Classification: Uncertain significance for Familial thoracic aortic aneurysm and aortic dissection. Last evaluated: 2024-03-06. Review status: criteria provided, single submitter. Criteria: ACMG Guidelines, 2015. Collection method: clinical testing. Allele origin: germline.
Comment: This missense variant replaces lysine with asparagine at codon 620 of the MYH11 protein. Computational prediction indicates that this variant may have a neutral impact on protein structure and function. To our knowledge, functional studies have not been reported for this variant. This variant has not been reported in individuals affected with MYH11-related disorders in the literature. This variant has been identified in 18/251490 chromosomes in the general population by the Genome Aggregation Database (gnomAD). The available evidence is insufficient to determine the role of this variant in disease conclusively. Therefore, this variant is classified as a Variant of Uncertain Significance.

Ambry Genetics
Classification: Uncertain significance for Familial thoracic aortic aneurysm and aortic dissection. Last evaluated: 2022-01-30. Review status: criteria provided, single submitter. Criteria: Ambry Variant Classification Scheme 2023. Collection method: clinical testing. Allele origin: germline.
Comment: The p.K613N variant (also known as c.1839G>C), located in coding exon 14 of the MYH11 gene, results from a G to C substitution at nucleotide position 1839. The lysine at codon 613 is replaced by asparagine, an amino acid with similar properties. This amino acid position is conserved. In addition, this alteration is predicted to be tolerated by in silico analysis. Since supporting evidence is limited at this time, the clinical significance of this alteration remains unclear.